The following is an entry in ClinVar:

ClinVar aggregate classification (germline): Uncertain significance (1 of 4 stars; one submission).

Conditions:
GNAS-related disorder. Identifiers: MedGen CN380105.

Allele frequency attached by ClinVar (database versions not stated): gnomAD exomes below 0.00001.
gnomAD v4.1: 6 of 1,563,214 alleles (0.00038%); highest among the groups gnomAD compares: Non-Finnish European, 0.00043%; no homozygotes.

Submission:

PreventionGenetics, part of Exact Sciences
Classification: Uncertain significance for GNAS-related condition. Last evaluated: 2026-03-21. Review status: criteria provided, single submitter. Criteria: ACMG Guidelines, 2015. Collection method: clinical testing. Allele origin: germline.
Comment: The GNAS c.1115C>A variant is predicted to result in the amino acid substitution p.Pro372His. Of note, in the more commonly reported transcript (NM_000516.5) this variant is pre-coding (c.-37160C>A). To our knowledge, this variant has not been reported in the literature or in a large population database, indicating this variant is rare. At this time, the clinical significance of this variant is uncertain due to the absence of conclusive functional and genetic evidence.

NM_080425.4(GNAS):c.1302C>A (p.Ala434=)

Gene: GNAS (GNAS complex locus; plus strand). Cytogenetic location: 20q13.32.
Variant type: single nucleotide variant.
Coding change: c.1302C>A on transcript NM_080425.4 (MANE Plus Clinical); coding-DNA position 1302, C replaced by A.
Protein change: p.Ala434=; no amino-acid change (alanine 434 retained).
Molecular consequence: synonymous variant. On other transcripts: missense variant (2), intron variant (3).
Genome position (GRCh38, 1-based): chr20:58,854,567, C>A. VCF-style: chr20-58854567-C-A. GRCh37 (hg19) VCF-style: chr20-57429622-C-A.
Other names: c.1115C>A, p.Pro372His (NM_001077490.3, NM_001309883.1); c.1302C>A, p.Ala434= (NM_001410913.1); c.*42+13681C>A (NM_016592.5); c.43+13681C>A (NM_001410912.1); c.-39+12692C>A (NM_001309861.2); short protein forms P372H.
Identifiers: ClinVar variation 2635129 (VCV002635129.3), dbSNP rs2516384443, ClinGen allele CA409459973.
Genomic context (GRCh38, chr20:58,854,567, plus strand): 5'-GACAGCACCAGCCGATCCTGACTCCGGGGCATTCGCAGCCGATCCCGACTCCGGGGCAGC[C>A]CCTGCCGCCCCAGCCGATCCCGACTCCGGGGCGGCCCCTGACGCCCCAGCCGATCCCGAC-3'
Protein context (NP_536350.2, residues 424-444): AFAADPDSGA[Ala434=]PAAPADPDSG